The following is an entry in ClinVar:

ClinVar aggregate classification (germline): Uncertain significance (1 of 4 stars; one submission).

Submission:

Ambry Genetics
Classification: Uncertain significance. Last evaluated: 2022-10-12. Review status: criteria provided, single submitter. Criteria: Ambry Variant Classification Scheme 2023. Collection method: clinical testing. Allele origin: germline.
Comment: The p.H759R variant (also known as c.2276A>G), located in coding exon 4 of the ALPK2 gene, results from an A to G substitution at nucleotide position 2276. The histidine at codon 759 is replaced by arginine, an amino acid with highly similar properties. This amino acid position is conserved. In addition, this alteration is predicted to be tolerated by in silico analysis. Since supporting evidence is limited at this time, the clinical significance of this alteration remains unclear.

NM_052947.4(ALPK2):c.2276A>G (p.His759Arg)

Gene: ALPK2 (alpha kinase 2; minus strand). Cytogenetic location: 18q21.31.
Variant type: single nucleotide variant.
Coding change: c.2276A>G on transcript NM_052947.4 (MANE Select); coding-DNA position 2276, A replaced by G.
Protein change: p.His759Arg; replaces histidine 759 with arginine.
Molecular consequence: missense variant.
Genome position (GRCh38, 1-based): chr18:58,537,911, T>C on the plus strand (A>G on the coding strand, the complement: ALPK2 is on the minus strand). VCF-style: chr18-58537911-T-C. GRCh37 (hg19) VCF-style: chr18-56205143-T-C.
Other names: short protein forms H759R.
Identifiers: ClinVar variation 1788859 (VCV001788859.2), dbSNP rs2518877899, ClinGen allele CA402571109.